The following is an entry in ClinVar:

ClinVar aggregate classification (germline): Uncertain significance. Review status: criteria provided, multiple submitters, no conflicts (2 of 4 stars). 2 submissions from 2 submitters: Uncertain significance (2). Last evaluated 2026-03-11.

Conditions:
Hereditary cancer-predisposing syndrome. Also called: Hereditary Cancer Syndrome; Neoplastic Syndromes, Hereditary; Tumor predisposition; Hereditary neoplastic syndrome. Identifiers: Orphanet 140162, MedGen C0027672, MeSH D009386, MONDO:0015356.
Hereditary nonpolyposis colorectal neoplasms. Identifiers: MedGen C0009405, MeSH D003123.

Submissions (2):

Ambry Genetics
Classification: Uncertain significance for Hereditary cancer-predisposing syndrome. Last evaluated: 2026-03-11. Review status: criteria provided, single submitter. Criteria: Ambry Variant Classification Scheme 2023. Collection method: clinical testing. Allele origin: germline.
Comment: The c.3996_3998dupATT variant (also known as p.L1332dup), located in coding exon 9 of the MSH6 gene, results from an in-frame duplication of ATT at nucleotide positions 3996 to 3998. This results in the duplication of an extra residue between codons 1332 and 1333. This amino acid position is not well conserved in available vertebrate species. In addition, the in silico prediction for this variant is inconclusive (Choi Y et al. PLoS ONE. 2012; 7(10):e46688). Based on the available evidence, the clinical significance of this variant remains unclear.

Labcorp Genetics (formerly Invitae), Labcorp
Classification: Uncertain significance for Hereditary nonpolyposis colorectal neoplasms. Last evaluated: 2020-05-20. Review status: criteria provided, single submitter. Criteria: Invitae Variant Classification Sherloc (09022015). Collection method: clinical testing. Allele origin: germline.
Comment: In summary, the available evidence is currently insufficient to determine the role of this variant in disease. Therefore, it has been classified as a Variant of Uncertain Significance. Experimental studies and prediction algorithms are not available or were not evaluated, and the functional significance of this variant is currently unknown. This variant has not been reported in the literature in individuals with MSH6-related conditions. This variant is not present in population databases (ExAC no frequency). This variant, c.3996_3998dup, results in the insertion of 1 amino acid(s) to the MSH6 protein (p.Leu1332dup), but otherwise preserves the integrity of the reading frame.

NM_000179.3(MSH6):c.3993ATT[3] (p.Leu1332dup)

Gene: MSH6 (mutS homolog 6; plus strand). Cytogenetic location: 2p16.3.
Variant type: Microsatellite.
Coding change: c.3993ATT[3] on transcript NM_000179.3 (MANE Select); three copies in a row of the 3-base unit ATT starting at c.3993; the reference has two copies in a row; one copy, 3 bases duplicated.
Protein change: p.Leu1332dup; duplicates leucine 1332.
Molecular consequence: inframe insertion.
Genome position (GRCh38, 1-based): chr2:47,806,646-47,806,648, ATT duplicated; duplicating any 3 consecutive bases within chr2:47,806,643-47,806,648 gives the same sequence; the position shown is the placement nearest the transcript's 3' end. VCF-style (leftmost placement, unchanged base first): chr2-47806642-G-GATT. GRCh37 (hg19) VCF-style: chr2-48033781-G-GATT.
Other names: c.3603ATT[3], p.Leu1202dup (NM_001281492.2); c.3087ATT[3], p.Leu1030dup (NM_001281493.2, NM_001281494.2); c.3996_3998dupATT (NM_000179.2).
Identifiers: ClinVar variation 1064001 (VCV001064001.10), dbSNP rs2104567877, ClinGen allele CA2580611339.